The following is an entry in ClinVar:

ClinVar aggregate classification (germline): Likely benign (1 of 4 stars; one submission).

Allele frequency attached by ClinVar (database versions not stated): TOPMed below 0.00001; ExAC 0.04793.

Submission:

CeGaT Center for Human Genetics Tuebingen
Classification: Likely benign. Last evaluated: 2023-08-01. Review status: criteria provided, single submitter. Criteria: CeGaT Center For Human Genetics Tuebingen Variant Classification Criteria Version 2. Collection method: clinical testing. Allele origin: germline. Affected: yes. Observed: 1 variant allele.
Comment: MUC5AC: BP4, BP7

NM_001304359.2(MUC5AC):c.14190C>T (p.Gly4730=)

Gene: MUC5AC (mucin 5AC, oligomeric mucus/gel-forming; plus strand). Cytogenetic location: 11p15.5.
Variant type: single nucleotide variant.
Coding change: c.14190C>T on transcript NM_001304359.2 (MANE Select); coding-DNA position 14190, C replaced by T.
Protein change: p.Gly4730=; no amino-acid change (glycine 4730 retained).
Molecular consequence: synonymous variant.
Genome position (GRCh38, 1-based): chr11:1,192,335, C>T. VCF-style: chr11-1192335-C-T. GRCh37 (hg19) VCF-style: chr11-1213560-C-T.
Identifiers: ClinVar variation 2641174 (VCV002641174.24), dbSNP rs78723242, ClinGen allele CA5802648.
Genomic context (GRCh38, chr11:1,192,335, plus strand): 5'-ACCCTTCAAGATGTGCCTCAACTACGAGGTGCGCGTGCTCTGCTGCGAGACCCCCAGAGG[C>T]TGCCCGGTGACCTCTGTGACCCCATATGGGACTTCTCCTACCAATGCTCTGTATCCTTCC-3'
Protein context (NP_001291288.1, residues 4720-4740): VRVLCCETPR[Gly4730=]CPVTSVTPYG